The following is an entry in ClinVar:

NM_012472.6(DNAAF11):c.328C>T (p.Gln110Ter)

Gene: DNAAF11 (dynein axonemal assembly factor 11; minus strand). Cytogenetic location: 8q24.22.
Variant type: single nucleotide variant.
Coding change: c.328C>T on transcript NM_012472.6 (MANE Select); coding-DNA position 328, C replaced by T.
Protein change: p.Gln110Ter; replaces glutamine 110 with a stop codon.
Molecular consequence: nonsense. On other transcripts: 5 prime UTR variant (4), non-coding transcript variant (10).
Genome position (GRCh38, 1-based): chr8:132,638,036, G>A on the plus strand (C>T on the coding strand, the complement: DNAAF11 is on the minus strand). VCF-style: chr8-132638036-G-A. GRCh37 (hg19) VCF-style: chr8-133650282-G-A.
Other names: c.328C>T, p.Gln110Ter (NM_001321961.2); c.82C>T, p.Gln28Ter (NM_001321962.2); c.-33C>T (NM_001321963.2, NM_001321964.2, NM_001321965.2 and 1 more transcripts); short protein forms Q110*, Q28*.
Identifiers: ClinVar variation 1800373 (VCV001800373.2), dbSNP rs777779770, ClinGen allele CA372295676.

ClinVar aggregate classification (germline): Pathogenic (1 of 4 stars; one submission).

Conditions:
Primary ciliary dyskinesia. Also called: Ciliary dyskinesia. Identifiers: Orphanet 244, MedGen C0008780, MONDO:0016575, HP:0012265.

Submission:

Ambry Genetics
Classification: Pathogenic for Primary ciliary dyskinesia. Last evaluated: 2018-03-26. Review status: criteria provided, single submitter. Criteria: Ambry Variant Classification Scheme 2023. Collection method: clinical testing. Allele origin: germline.
Comment: The p.Q110* pathogenic mutation (also known as c.328C>T), located in coding exon 4 of the LRRC6 gene, results from a C to T substitution at nucleotide position 328. This changes the amino acid from a glutamine to a stop codon within coding exon 4. This alteration is expected to result in loss of function by premature protein truncation or nonsense-mediated mRNA decay. As such, this alteration is interpreted as a disease-causing mutation.